The following is an entry in ClinVar:

NM_004380.3(CREBBP):c.2170T>A (p.Phe724Ile)

Gene: CREBBP (CREB binding protein; minus strand). Cytogenetic location: 16p13.3.
Variant type: single nucleotide variant.
Coding change: c.2170T>A on transcript NM_004380.3 (MANE Select); coding-DNA position 2170, T replaced by A.
Protein change: p.Phe724Ile; replaces phenylalanine 724 with isoleucine.
Molecular consequence: missense variant.
Genome position (GRCh38, 1-based): chr16:3,774,682, A>T on the plus strand (T>A on the coding strand, the complement: CREBBP is on the minus strand). VCF-style: chr16-3774682-A-T. GRCh37 (hg19) VCF-style: chr16-3824683-A-T.
Other names: c.2056T>A, p.Phe686Ile (NM_001079846.1); short protein forms F686I, F724I.
Identifiers: ClinVar variation 1029835 (VCV001029835.1), dbSNP rs2053094536, ClinGen allele CA394553414.

ClinVar aggregate classification (germline): Uncertain significance (1 of 4 stars; one submission).

Conditions:
Menke-Hennekam syndrome 1 (MKHK1). Identifiers: MedGen C5193034, MONDO:0020763, OMIM 618332.

Submission:

Baylor Genetics
Classification: Uncertain significance for Menke-Hennekam syndrome 1. Last evaluated: 2020-03-20. Review status: criteria provided, single submitter. Criteria: ACMG Guidelines, 2015. Collection method: clinical testing. Allele origin: unknown. Affected: yes.
Comment: This variant was determined to be of uncertain significance according to ACMG Guidelines, 2015 [PMID:25741868].